The following is an entry in ClinVar:

NM_001312909.2(FAM111A):c.1138A>G (p.Ile380Val)

Gene: FAM111A (FAM111 trypsin like peptidase A; plus strand). Cytogenetic location: 11q12.1.
Variant type: single nucleotide variant.
Coding change: c.1138A>G on transcript NM_001312909.2 (MANE Select); coding-DNA position 1138, A replaced by G.
Protein change: p.Ile380Val; replaces isoleucine 380 with valine.
Molecular consequence: missense variant.
Genome position (GRCh38, 1-based): chr11:59,152,806, A>G. VCF-style: chr11-59152806-A-G. GRCh37 (hg19) VCF-style: chr11-58920279-A-G.
Other names: c.1138A>G, p.Ile380Val (NM_001142519.3, NM_001142520.3, NM_001142521.3 and 29 more transcripts); short protein forms I380V.
Identifiers: ClinVar variation 930855 (VCV000930855.3), dbSNP rs755606746, ClinGen allele CA6016714.

ClinVar aggregate classification (germline): Uncertain significance (1 of 4 stars; one submission).

Conditions:
Osteocraniostenosis (GCLEB). Also called: OSTEOCRANIOSPLENIC SYNDROME; Osteocraniostenosis (Gracile Bone Dysplasia); HABRODYSPLASIA. Identifiers: Orphanet 2763, MedGen C1865639, MONDO:0011215, OMIM 602361.

Allele frequency attached by ClinVar (database versions not stated): gnomAD exomes 0.00001 and 0.00002; TOPMed 0.00001; ExAC 0.00001; gnomAD 0.00002.
gnomAD v4.1: 26 of 1,614,090 alleles (0.0016%); highest among the groups gnomAD compares: Non-Finnish European, 0.0022%; no homozygotes.

Submission:

Centre for Mendelian Genomics, University Medical Centre Ljubljana
Classification: Uncertain significance for Osteocraniostenosis. Last evaluated: 2020-01-24. Review status: criteria provided, single submitter. Criteria: ACMG Guidelines, 2015. Collection method: clinical testing. Allele origin: unknown. Affected: yes.
Comment: This variant was classified as: Uncertain significance. The available evidence on this variant's pathogenicity is insufficient or conflicting. The following ACMG criteria were applied in classifying this variant: BS2.